The following is an entry in ClinVar:

NM_014844.5(TECPR2):c.3465C>A (p.Ser1155Arg)

Gene: TECPR2 (tectonin beta-propeller repeat containing 2; plus strand). Cytogenetic location: 14q32.31.
Variant type: single nucleotide variant.
Coding change: c.3465C>A on transcript NM_014844.5 (MANE Select); coding-DNA position 3465, C replaced by A.
Protein change: p.Ser1155Arg; replaces serine 1155 with arginine.
Molecular consequence: missense variant.
Genome position (GRCh38, 1-based): chr14:102,452,452, C>A. VCF-style: chr14-102452452-C-A. GRCh37 (hg19) VCF-style: chr14-102918789-C-A.
Other names: c.3465C>A, p.Ser1155Arg (NM_001172631.3); c.3465C>A (NM_014844.4); short protein forms S1155R.
Identifiers: ClinVar variation 473091 (VCV000473091.19), dbSNP rs75004775, ClinGen allele CA7358248.

ClinVar aggregate classification (germline): Benign. Review status: criteria provided, multiple submitters, no conflicts (2 of 4 stars). 5 submissions from 5 submitters: Benign (4). 1 of the submissions does not count toward it. Last evaluated 2026-04-22.

Conditions:
TECPR2-related disorder. Also called: TECPR2-related condition.
Hereditary spastic paraplegia 49 (HSAN9). Also called: TECPR2-Related Hereditary Sensory and Autonomic Neuropathy with Intellectual Disability; Spastic paraplegia 49, autosomal recessive; NEUROPATHY, HEREDITARY SENSORY AND AUTONOMIC, TYPE IX, WITH DEVELOPMENTAL DELAY. Identifiers: Orphanet 320385, MedGen C5190860, MONDO:0014016, OMIM 615031.
Hereditary spastic paraplegia. Also called: Familial spastic paraparesis. Identifiers: Orphanet 685, MedGen C0037773, MONDO:0019064. Disease mechanism: loss of function.

Allele frequency attached by ClinVar (database versions not stated): gnomAD 0.00041 and 0.00075; TOPMed 0.00090; 1000 Genomes Project 0.00559; 1000 Genomes Project 30x 0.00562.
gnomAD v4.1: 1,200 of 1,613,698 alleles (0.074%); highest among the groups gnomAD compares: East Asian, 2.1%; 18 homozygotes.

Submissions (5):

PreventionGenetics, part of Exact Sciences
Classification: Benign for TECPR2-related condition. Last evaluated: 2026-04-22. Review status: criteria provided, single submitter. Criteria: ACMG Guidelines, 2015. Collection method: clinical testing. Allele origin: germline.
Comment: This variant is classified as benign based on ACMG/AMP sequence variant interpretation guidelines (Richards et al. 2015 PMID: 25741868, with internal and published modifications).

Labcorp Genetics (formerly Invitae), Labcorp
Classification: Benign for Hereditary spastic paraplegia 49. Last evaluated: 2026-02-02. Review status: criteria provided, single submitter. Criteria: Invitae Variant Classification Sherloc (09022015). Collection method: clinical testing. Allele origin: germline.

Genome Diagnostics Laboratory, The Hospital for Sick Children
Classification: Benign for Hereditary spastic paraplegia. Last evaluated: 2021-06-13. Review status: criteria provided, single submitter. Criteria: ACMG Guidelines, 2015. Collection method: clinical testing. Allele origin: germline. Affected: yes.

Breakthrough Genomics
Classification: Benign. Review status: criteria provided, single submitter. Criteria: ACMG Guidelines, 2015. Collection method: not provided. Allele origin: germline. Inheritance: Autosomal recessive inheritance. Affected: yes.

Natera, Inc.
Classification: Benign for Autosomal recessive spastic paraplegia type 49. Last evaluated: 2020-09-16. Review status: no assertion criteria provided. Collection method: clinical testing. Allele origin: germline. Not counted in ClinVar's aggregate classification.